The following is an entry in ClinVar:

NM_017433.5(MYO3A):c.3925G>A (p.Val1309Ile)

Gene: MYO3A (myosin IIIA; plus strand). Cytogenetic location: 10p12.1.
Variant type: single nucleotide variant.
Coding change: c.3925G>A on transcript NM_017433.5 (MANE Select); coding-DNA position 3925, G replaced by A.
Protein change: p.Val1309Ile; replaces valine 1309 with isoleucine.
Molecular consequence: missense variant.
Genome position (GRCh38, 1-based): chr10:26,174,189, G>A. VCF-style: chr10-26174189-G-A. GRCh37 (hg19) VCF-style: chr10-26463118-G-A.
Other names: short protein forms V1309I.
Identifiers: ClinVar variation 4115559 (VCV004115559.2).
Genomic context (GRCh38, chr10:26,174,189, plus strand): 5'-CTTAGCCAAAGGTCAATTTATCAAAATGCAAACAGCATGGAAAAAGAAAAGAAGACATCT[G>A]TAGTTACCCAGCGTGCACCGATATGCAGCCAGGAGGAAGGCAGAGGCCGTCTGAGGCATG-3'
Protein context (NP_059129.3, residues 1299-1319): NSMEKEKKTS[Val1309Ile]VTQRAPICSQ

ClinVar aggregate classification (germline): Uncertain significance. Review status: criteria provided, multiple submitters, no conflicts (2 of 4 stars). 2 submissions from 2 submitters: Uncertain significance (2). Last evaluated 2025-12-17.

Conditions:
MYO3A-related disorder. Also called: MYO3A-related condition.
Inborn genetic diseases. Identifiers: MedGen C0950123, MeSH D030342.

gnomAD v4.1: 68 of 1,614,116 alleles (0.0042%); highest among the groups gnomAD compares: South Asian, 0.061%; no homozygotes.

Submissions (2):

PreventionGenetics, part of Exact Sciences
Classification: Uncertain significance for MYO3A-related condition. Last evaluated: 2025-12-17. Review status: criteria provided, single submitter. Criteria: ACMG Guidelines, 2015. Collection method: clinical testing. Allele origin: germline.
Comment: The MYO3A c.3925G>A variant is predicted to result in the amino acid substitution p.Val1309Ile. To our knowledge, this variant has not been reported in the literature. This variant is reported in 0.098% of alleles in individuals of South Asian descent in gnomAD. Although we suspect that this variant may be benign, at this time, the clinical significance of this variant is uncertain due to the absence of conclusive functional and genetic evidence.

Ambry Genetics
Classification: Uncertain significance for Inborn genetic diseases. Last evaluated: 2025-08-02. Review status: criteria provided, single submitter. Criteria: Ambry Variant Classification Scheme 2023. Collection method: clinical testing. Allele origin: germline.